The following is an entry in ClinVar:

NM_001563.4(IMPG1):c.1220C>T (p.Thr407Ile)

Gene: IMPG1 (interphotoreceptor matrix proteoglycan 1; minus strand). Cytogenetic location: 6q14.1.
Variant type: single nucleotide variant.
Coding change: c.1220C>T on transcript NM_001563.4 (MANE Select); coding-DNA position 1220, C replaced by T.
Protein change: p.Thr407Ile; replaces threonine 407 with isoleucine.
Molecular consequence: missense variant.
Genome position (GRCh38, 1-based): chr6:76,002,989, G>A on the plus strand (C>T on the coding strand, the complement: IMPG1 is on the minus strand). VCF-style: chr6-76002989-G-A. GRCh37 (hg19) VCF-style: chr6-76712706-G-A.
Other names: c.986C>T, p.Thr329Ile (NM_001282368.2); short protein forms T329I, T407I.
Identifiers: ClinVar variation 1399424 (VCV001399424.8), dbSNP rs1395520328, ClinGen allele CA364770430.

ClinVar aggregate classification (germline): Uncertain significance (1 of 4 stars; one submission).

Allele frequency attached by ClinVar (database versions not stated): gnomAD exomes below 0.00001 and 0.00001.
gnomAD v4.1: 3 of 1,612,526 alleles (0.00019%); highest among the groups gnomAD compares: Admixed American, 0.005%; no homozygotes.

Submission:

Labcorp Genetics (formerly Invitae), Labcorp
Classification: Uncertain significance. Last evaluated: 2021-06-05. Review status: criteria provided, single submitter. Criteria: Invitae Variant Classification Sherloc (09022015). Collection method: clinical testing. Allele origin: germline.
Comment: In summary, the available evidence is currently insufficient to determine the role of this variant in disease. Therefore, it has been classified as a Variant of Uncertain Significance. Algorithms developed to predict the effect of missense changes on protein structure and function are either unavailable or do not agree on the potential impact of this missense change (SIFT: "Tolerated"; PolyPhen-2: "Probably Damaging"; Align-GVGD: "Class C0"). This variant has not been reported in the literature in individuals with IMPG1-related conditions. This variant is not present in population databases (ExAC no frequency). This sequence change replaces threonine with isoleucine at codon 407 of the IMPG1 protein (p.Thr407Ile). The threonine residue is moderately conserved and there is a moderate physicochemical difference between threonine and isoleucine.